The following is an entry in ClinVar:

ClinVar aggregate classification (germline): Uncertain significance (1 of 4 stars; one submission).

Submission:

Labcorp Genetics (formerly Invitae), Labcorp
Classification: Uncertain significance. Last evaluated: 2022-12-22. Review status: criteria provided, single submitter. Criteria: Invitae Variant Classification Sherloc (09022015). Collection method: clinical testing. Allele origin: germline.
Comment: Algorithms developed to predict the effect of sequence changes on RNA splicing suggest that this variant may disrupt the consensus splice site. In summary, the available evidence is currently insufficient to determine the role of this variant in disease. Therefore, it has been classified as a Variant of Uncertain Significance. Algorithms developed to predict the effect of missense changes on protein structure and function are either unavailable or do not agree on the potential impact of this missense change (SIFT: "Deleterious"; PolyPhen-2: "Not Available"; Align-GVGD: "Class C0"). This sequence change replaces arginine, which is basic and polar, with glycine, which is neutral and non-polar, at codon 389 of the POLD2 protein (p.Arg389Gly). This variant is not present in population databases (gnomAD no frequency). This variant has not been reported in the literature in individuals affected with POLD2-related conditions.

NM_006230.4(POLD2):c.1060C>G (p.Arg354Gly)

Gene: POLD2 (DNA polymerase delta 2, accessory subunit; minus strand). Cytogenetic location: 7p13.
Variant type: single nucleotide variant.
Coding change: c.1060C>G on transcript NM_006230.4 (MANE Select); coding-DNA position 1060, C replaced by G.
Protein change: p.Arg354Gly; replaces arginine 354 with glycine.
Molecular consequence: missense variant.
Genome position (GRCh38, 1-based): chr7:44,115,853, G>C on the plus strand (C>G on the coding strand, the complement: POLD2 is on the minus strand). VCF-style: chr7-44115853-G-C. GRCh37 (hg19) VCF-style: chr7-44155452-G-C.
Other names: c.1060C>G, p.Arg354Gly (NM_001127218.3, NM_001256879.2); short protein forms R354G.
Identifiers: ClinVar variation 2869123 (VCV002869123.3), dbSNP rs991519480, ClinGen allele CA367380318.